The following is an entry in ClinVar:

NM_001042681.2(RERE):c.1244T>A (p.Phe415Tyr)

Gene: RERE (arginine-glutamic acid dipeptide repeats; minus strand). Cytogenetic location: 1p36.23.
Variant type: single nucleotide variant.
Coding change: c.1244T>A on transcript NM_001042681.2 (MANE Select); coding-DNA position 1244, T replaced by A.
Protein change: p.Phe415Tyr; replaces phenylalanine 415 with tyrosine.
Molecular consequence: missense variant. On other transcripts: 5 prime UTR variant (1).
Genome position (GRCh38, 1-based): chr1:8,422,767, A>T on the plus strand (T>A on the coding strand, the complement: RERE is on the minus strand). VCF-style: chr1-8422767-A-T. GRCh37 (hg19) VCF-style: chr1-8482827-A-T.
Other names: c.-419T>A (NM_001042682.2); c.1244T>A, p.Phe415Tyr (NM_012102.4); short protein forms F415Y.
Identifiers: ClinVar variation 5021005 (VCV005021005.1).

ClinVar aggregate classification (germline): Uncertain significance (1 of 4 stars; one submission).

Submission:

Dasa
Classification: Uncertain significance. Last evaluated: 2025-02-03. Review status: criteria provided, single submitter. Criteria: DASA Assertion Criteria. Collection method: clinical testing. Allele origin: germline.
Comment: NM_001042681.2(RERE):c.1244T>A (p.Phe415Tyr) is a missense variant that results in the substitution of phenylalanine with tyrosine. This variant is absent from population databases. The currently available literature and clinical evidence are not sufficient to establish a definitive association between this variant and the reported condition. Therefore, this variant is classified as a variant of uncertain significance.